The following is an entry in ClinVar:

NM_003361.4(UMOD):c.32TGG[3] (p.Val14del)

Gene: UMOD (uromodulin; minus strand). Cytogenetic location: 16p12.3.
Variant type: Microsatellite.
Coding change: c.32TGG[3] on transcript NM_003361.4 (MANE Select); three copies in a row of the 3-base unit TGG starting at c.32; the reference has four copies in a row; one copy, 3 bases deleted.
Protein change: p.Val14del; deletes valine 14.
Molecular consequence: inframe deletion. On other transcripts: non-coding transcript variant (1).
Genome position (GRCh38, 1-based): chr16:20,350,695-20,350,697, CCA deleted on the plus strand (TGG on the coding strand, the reverse complement: UMOD is on the minus strand); deleting any 3 consecutive bases within chr16:20,350,695-20,350,706 gives the same sequence; the position shown is the placement nearest the transcript's 3' end. VCF-style (leftmost placement, unchanged base first): chr16-20350694-GCCA-G. GRCh37 (hg19) VCF-style: chr16-20362016-GCCA-G.
Other names: c.32TGG[3], p.Val14del (NM_001008389.3, NM_001278614.2, NM_001378232.1 and 4 more transcripts); c.41_43delTGG (NM_003361.3); short protein forms V14del.
Identifiers: ClinVar variation 2179597 (VCV002179597.5), dbSNP rs538439182, ClinGen allele CA7939544.

ClinVar aggregate classification (germline): Likely benign. Review status: criteria provided, multiple submitters, no conflicts (2 of 4 stars). 2 submissions from 2 submitters: Likely benign (2). Last evaluated 2026-08-13.

Conditions:
UMOD-related disorder. Also called: UMOD-related condition.

Submissions (2):

PreventionGenetics, part of Exact Sciences
Classification: Likely benign for UMOD-related condition. Last evaluated: 2026-08-13. Review status: criteria provided, single submitter. Criteria: ACMG Guidelines, 2015. Collection method: clinical testing. Allele origin: germline.
Comment: This variant is classified as likely benign based on ACMG/AMP sequence variant interpretation guidelines (Richards et al. 2015 PMID: 25741868, with internal and published modifications).

Labcorp Genetics (formerly Invitae), Labcorp
Classification: Likely benign. Last evaluated: 2022-08-22. Review status: criteria provided, single submitter. Criteria: Invitae Variant Classification Sherloc (09022015). Collection method: clinical testing. Allele origin: germline.